The following is an entry in ClinVar:

ClinVar aggregate classification (germline): Benign. Review status: criteria provided, multiple submitters, no conflicts (2 of 4 stars). 2 submissions from 2 submitters: Benign (2). Last evaluated 2018-01-12.

Conditions:
Wilson disease (WND). Also called: Wilson's disease. Identifiers: Orphanet 905, MedGen C0019202, MONDO:0010200, OMIM 277900. Disease mechanism: loss of function.

Allele frequency attached by ClinVar (database versions not stated): 1000 Genomes Project 30x 0.30450; 1000 Genomes Project 0.30691; TOPMed 0.34157; gnomAD 0.35272 and 0.35483; gnomAD exomes 0.50000.
gnomAD v4.1: 54,131 of 152,128 alleles (36%); highest among the groups gnomAD compares: Non-Finnish European, 47%; 11,325 homozygotes.

Submissions (2):

Illumina Laboratory Services, Illumina
Classification: Benign for Wilson disease. Last evaluated: 2018-01-12. Review status: criteria provided, single submitter. Criteria: ICSL Variant Classification Criteria 13 December 2019. Collection method: clinical testing. Allele origin: germline.
Comment: This variant was observed in the ICSL laboratory as part of a predisposition screen in an ostensibly healthy population. It had not been previously curated by ICSL or reported in the Human Gene Mutation Database (HGMD: prior to June 1st, 2018), and was therefore a candidate for classification through an automated scoring system. Utilizing variant allele frequency, disease prevalence and penetrance estimates, and inheritance mode, an automated score was calculated to assess if this variant is too frequent to cause the disease. Based on the score and internal cut-off values, a variant classified as benign is not then subjected to further curation. The score for this variant resulted in a classification of benign for this disease.

Breakthrough Genomics
Classification: Benign. Review status: criteria provided, single submitter. Criteria: ACMG Guidelines, 2015. Collection method: not provided. Allele origin: germline. Inheritance: Autosomal recessive inheritance. Affected: yes.

NM_000053.4(ATP7B):c.*1172G>A

Genes: TMEM272 (transmembrane protein 272; minus strand), ATP7B (ATPase copper transporting beta; minus strand). Cytogenetic location: 13q14.3.
Variant type: single nucleotide variant.
Coding change: c.*1172G>A on transcript NM_000053.4 (MANE Select); 1172 bases downstream of the stop codon, G replaced by A.
Molecular consequence: 3 prime UTR variant.
Genome position (GRCh38, 1-based): chr13:51,933,584, C>T on the plus strand (G>A on the coding strand, the complement: ATP7B is on the minus strand). VCF-style: chr13-51933584-C-T. GRCh37 (hg19) VCF-style: chr13-52507720-C-T.
Other names: c.*1172G>A (NM_001005918.3, NM_001243182.2, NM_001330578.2 and 1 more transcripts).
Identifiers: ClinVar variation 312357 (VCV000312357.6), dbSNP rs1051332, ClinGen allele CA10644722.
Genomic context (GRCh38, chr13:51,933,584, plus strand): 5'-CCAACTTCAGAGTCTAAAACTGAACCCGTTCTGCTGCTCTGAGAGCCACTGCCAGGTAAA[C>T]AGATGCTCCCTTCGGGGTGCTGTGGCCACTCCTTTTCTGAAGCCCCTGGGCAGCGTGCAG-3'